The following is an entry in ClinVar:

ClinVar aggregate classification (germline): Uncertain significance (1 of 4 stars; one submission).

Conditions:
Inborn genetic diseases. Identifiers: MedGen C0950123, MeSH D030342.

Submission:

Ambry Genetics
Classification: Uncertain significance for Inborn genetic diseases. Last evaluated: 2022-06-20. Review status: criteria provided, single submitter. Criteria: Ambry Variant Classification Scheme 2023. Collection method: clinical testing. Allele origin: germline.
Comment: The p.K1148M variant (also known as c.3443A>T), located in coding exon 17 of the ATR gene, results from an A to T substitution at nucleotide position 3443. The lysine at codon 1148 is replaced by methionine, an amino acid with similar properties. This amino acid position is conserved. In addition, this alteration is predicted to be deleterious by in silico analysis. Since supporting evidence is limited at this time, the clinical significance of this alteration remains unclear.

NM_001184.4(ATR):c.3443A>T (p.Lys1148Met)

Gene: ATR (ATR checkpoint kinase; minus strand). Cytogenetic location: 3q23.
Variant type: single nucleotide variant.
Coding change: c.3443A>T on transcript NM_001184.4 (MANE Select); coding-DNA position 3443, A replaced by T.
Protein change: p.Lys1148Met; replaces lysine 1148 with methionine.
Molecular consequence: missense variant.
Genome position (GRCh38, 1-based): chr3:142,542,672, T>A on the plus strand (A>T on the coding strand, the complement: ATR is on the minus strand). VCF-style: chr3-142542672-T-A. GRCh37 (hg19) VCF-style: chr3-142261514-T-A.
Other names: c.3251A>T, p.Lys1084Met (NM_001354579.2); short protein forms K1084M, K1148M.
Identifiers: ClinVar variation 1731484 (VCV001731484.2), dbSNP rs2473335755, ClinGen allele CA354809144.
Genomic context (GRCh38, chr3:142,542,672, plus strand): 5'-ATCTATATTCTGTATGAATTCTATCTTAGCACTCTGGAACTATCACCACTTACCATTTTC[T>A]TATCTTCAATGCCAACACTAGAGCTCAGTAACTGCATGTTAAAAAAAGCCAAAATGCCCA-3'
Protein context (NP_001175.2, residues 1138-1158): LLSSSVGIED[Lys1148Met]KMALNSLMSL